The following is an entry in ClinVar:

NM_001012339.3(DNAJC21):c.316-3dup

Gene: DNAJC21 (DnaJ heat shock protein family (Hsp40) member C21; plus strand). Cytogenetic location: 5p13.2.
Variant type: Duplication.
Coding change: c.316-3dup on transcript NM_001012339.3 (MANE Select); 3 bases into the intron before coding-DNA position 316, one base duplicated (T; older notation c.316-3dupT).
Molecular consequence: intron variant.
Genome position (GRCh38, 1-based): chr5:34,936,141, T duplicated; the last of 6 consecutive T bases (chr5:34,936,136-34,936,141); duplicating any one gives the same sequence. VCF-style (leftmost placement, unchanged base first): chr5-34936135-G-GT. GRCh37 (hg19) VCF-style: chr5-34936240-G-GT.
Other names: c.316-3dup (NM_001348420.2, NM_194283.4); c.316-3dupT (NM_001012339.2).
Identifiers: ClinVar variation 2093252 (VCV002093252.6), dbSNP rs1764765000, ClinGen allele CA1538654870.
Genomic context (GRCh38, chr5:34,936,135, plus strand): 5'-ATTTTAAAATCTTTTTCTGTGATCAGGCTGCAAAAGTATTAAGAATTTGTTTTTGTTACT[G>GT]TTTTTTAGGGATTTTACACGGTGTATCGTAATGTTTTTGAAATGATTGCCAAGGAAGAAC-3'

ClinVar aggregate classification (germline): Benign. Review status: criteria provided, single submitter (1 of 4 stars). 2 submissions from 2 submitters: Benign (1). 1 of the submissions does not count toward it. Last evaluated 2022-09-30.

Conditions:
DNAJC21-related disorder. Also called: DNAJC21-related condition.

Submissions (2):

Labcorp Genetics (formerly Invitae), Labcorp
Classification: Benign. Last evaluated: 2022-09-30. Review status: criteria provided, single submitter. Criteria: Invitae Variant Classification Sherloc (09022015). Collection method: clinical testing. Allele origin: germline.

PreventionGenetics, part of Exact Sciences
Classification: Likely benign for DNAJC21-related condition. Last evaluated: 2020-11-11. Review status: no assertion criteria provided. Collection method: clinical testing. Allele origin: germline. Not counted in ClinVar's aggregate classification.
Comment: This variant is classified as likely benign based on ACMG/AMP sequence variant interpretation guidelines (Richards et al. 2015 PMID: 25741868, with internal and published modifications).